The following is an entry in ClinVar:

ClinVar aggregate classification (germline): Conflicting classifications of pathogenicity. Review status: criteria provided, conflicting classifications (1 of 4 stars). 5 submissions from 5 submitters: Uncertain significance (3); Likely benign (2). Last evaluated 2026-09-02.

Conditions:
RDX-related disorder. Also called: RDX-related condition.
Inborn genetic diseases. Identifiers: MedGen C0950123, MeSH D030342.

Allele frequency attached by ClinVar (database versions not stated): TOPMed 0.00006; gnomAD exomes 0.00009 and 0.00001; ExAC 0.00011; 1000 Genomes Project 30x 0.00016; 1000 Genomes Project 0.00020; gnomAD 0.00005.
gnomAD v4.1: 40 of 1,612,860 alleles (0.0025%); highest among the groups gnomAD compares: East Asian, 0.049%; no homozygotes.

Submissions (5):

PreventionGenetics, part of Exact Sciences
Classification: Uncertain significance for RDX-related condition. Last evaluated: 2026-09-02. Review status: criteria provided, single submitter. Criteria: ACMG Guidelines, 2015. Collection method: clinical testing. Allele origin: germline.
Comment: The RDX c.1282A>G variant is predicted to result in the amino acid substitution p.Ile428Val. To our knowledge, this variant has not been reported in the literature. This variant is reported in 0.13% of alleles in individuals of East Asian descent in gnomAD. Although we suspect that this variant may be benign, at this time, the clinical significance of this variant is uncertain due to the absence of conclusive functional and genetic evidence.

Labcorp Genetics (formerly Invitae), Labcorp
Classification: Likely benign. Last evaluated: 2024-12-31. Review status: criteria provided, single submitter. Criteria: Invitae Variant Classification Sherloc (09022015). Collection method: clinical testing. Allele origin: germline.

Ambry Genetics
Classification: Uncertain significance for Inborn genetic diseases. Last evaluated: 2024-08-10. Review status: criteria provided, single submitter. Criteria: Ambry Variant Classification Scheme 2023. Collection method: clinical testing. Allele origin: germline.

GeneDx
Classification: Likely benign. Last evaluated: 2019-10-22. Review status: criteria provided, single submitter. Criteria: GeneDx Variant Classification Process June 2021. Collection method: clinical testing. Allele origin: germline. Affected: yes.

Laboratory for Molecular Medicine, Mass General Brigham Personalized Medicine
Classification: Uncertain significance. Last evaluated: 2013-08-16. Review status: criteria provided, single submitter. Criteria: LMM Criteria. Collection method: clinical testing. Allele origin: germline. Observed: 1 variant allele.
Comment: Variant classified as Uncertain Significance - Favor Benign. The Ile428Val varia nt in RDX has not been previously reported in individuals with hearing loss or i n large population studies. Computational analyses (biochemical amino acid prope rties, conservation, AlignGVGD, PolyPhen2, and SIFT) suggest that the Ile428Val variant may not impact the protein, though this information is not predictive en ough to rule out pathogenicity. Of note, fruit fly and C. elegans have a valine (Val) at this position despite high nearby amino acid conservation. In summary, the clinical significance of this variant cannot be determined with certainty; h owever based upon the lack of lower species conservation, and additional computa tion analysis, we would lean towards a more likely benign role.

NM_002906.4(RDX):c.1282A>G (p.Ile428Val)

Gene: RDX (radixin; minus strand). Cytogenetic location: 11q22.3.
Variant type: single nucleotide variant.
Coding change: c.1282A>G on transcript NM_002906.4 (MANE Select); coding-DNA position 1282, A replaced by G.
Protein change: p.Ile428Val; replaces isoleucine 428 with valine.
Molecular consequence: missense variant. On other transcripts: intron variant (1).
Genome position (GRCh38, 1-based): chr11:110,236,161, T>C on the plus strand (A>G on the coding strand, the complement: RDX is on the minus strand). VCF-style: chr11-110236161-T-C. GRCh37 (hg19) VCF-style: chr11-110106886-T-C.
Other names: c.1282A>G, p.Ile428Val (NM_001260492.2, NM_001260493.2); c.874A>G, p.Ile292Val (NM_001260494.2); c.241A>G, p.Ile81Val (NM_001260495.2); c.405-4157A>G (NM_001260496.2); short protein forms I428V, I81V, I292V.
Identifiers: ClinVar variation 179168 (VCV000179168.21), dbSNP rs572843421, ClinGen allele CA183860.